The following is an entry in ClinVar:

NM_000352.6(ABCC8):c.8del (p.Leu3fs)

Gene: ABCC8 (ATP binding cassette subfamily C member 8; minus strand). Cytogenetic location: 11p15.1.
Variant type: Deletion.
Coding change: c.8del on transcript NM_000352.6 (MANE Select); coding-DNA position 8, one base deleted (T; older notation c.8delT).
Protein change: p.Leu3fs; shifts the reading frame from leucine 3.
Molecular consequence: frameshift variant. On other transcripts: non-coding transcript variant (1).
Genome position (GRCh38, 1-based): chr11:17,476,769, A deleted on the plus strand (T on the coding strand, the reverse complement: ABCC8 is on the minus strand). VCF-style (leftmost placement, unchanged base first): chr11-17476768-CA-C. GRCh37 (hg19) VCF-style: chr11-17498315-CA-C.
Other names: c.8del, p.Leu3fs (NM_001287174.3, NM_001351295.2, NM_001351296.2 and 1 more transcripts); short protein forms L3fs.
Identifiers: ClinVar variation 1073392 (VCV001073392.7), dbSNP rs940471335, ClinGen allele CA218464138.
Genomic context (GRCh38, chr11:17,476,768, plus strand): 5'-GTTGAGGACCCCCTGGTCCACCCGGTAGGCGGCCGAGTGGTTCTCGCTGCCGCAGAAGGC[CA>C]GGGGCATGGCGGCGCGGGCGCGGGCTGGGCTCGGGCTCAGCTGGCTCCGCTGGCTCCGCG-3'

ClinVar aggregate classification (germline): Pathogenic (1 of 4 stars; one submission).

Allele frequency attached by ClinVar (database versions not stated): TOPMed below 0.00001.

Submission:

Labcorp Genetics (formerly Invitae), Labcorp
Classification: Pathogenic. Last evaluated: 2023-03-08. Review status: criteria provided, single submitter. Criteria: Invitae Variant Classification Sherloc (09022015). Collection method: clinical testing. Allele origin: germline.
Comment: For these reasons, this variant has been classified as Pathogenic. ClinVar contains an entry for this variant (Variation ID: 1073392). This variant has not been reported in the literature in individuals affected with ABCC8-related conditions. This variant is not present in population databases (gnomAD no frequency). This sequence change creates a premature translational stop signal (p.Leu3Argfs*75) in the ABCC8 gene. It is expected to result in an absent or disrupted protein product. Loss-of-function variants in ABCC8 are known to be pathogenic (PMID: 20685672, 23345197).

Literature cited by the submitters: PubMed 20685672; PubMed 23345197.